The following is an entry in ClinVar:

NM_001376.5(DYNC1H1):c.13590G>C (p.Gln4530His)

Gene: DYNC1H1 (dynein cytoplasmic 1 heavy chain 1; plus strand). Cytogenetic location: 14q32.31.
Variant type: single nucleotide variant.
Coding change: c.13590G>C on transcript NM_001376.5 (MANE Select); coding-DNA position 13590, G replaced by C.
Protein change: p.Gln4530His; replaces glutamine 4530 with histidine.
Molecular consequence: missense variant.
Genome position (GRCh38, 1-based): chr14:102,049,788, G>C. VCF-style: chr14-102049788-G-C. GRCh37 (hg19) VCF-style: chr14-102516125-G-C.
Other names: short protein forms Q4530H.
Identifiers: ClinVar variation 2703426 (VCV002703426.3), dbSNP rs2048779330, ClinGen allele CA391050353.
Genomic context (GRCh38, chr14:102,049,788, plus strand): 5'-CCTGGGTGGCCTGTTCGTGCCTGAGGCGTACATCACTGCCACCAGGCAGTATGTGGCCCA[G>C]GCCAACAGCTGGTCCCTGGAGGAGCTCTGCCTGGAAGTCAACGTCACCACCTCACAGGGC-3'
Protein context (NP_001367.2, residues 4520-4540): YITATRQYVA[Gln4530His]ANSWSLEELC

ClinVar aggregate classification (germline): Uncertain significance (1 of 4 stars; one submission).

Conditions:
Charcot-Marie-Tooth disease axonal type 2O. Also called: CHARCOT-MARIE-TOOTH NEUROPATHY, AXONAL, TYPE 2O; CHARCOT-MARIE-TOOTH DISEASE, AXONAL, AUTOSOMAL DOMINANT, TYPE 2O; Charcot-Marie-Tooth Neuropathy Type 2O; Charcot-Marie-Tooth disease, axonal, type 20. Identifiers: Orphanet 284232, MedGen C3280220, MONDO:0013644, OMIM 614228.

Allele frequency attached by ClinVar (database versions not stated): gnomAD exomes below 0.00001.
gnomAD v4.1: 1 of 1,613,936 alleles (0.000062%); highest among the groups gnomAD compares: Non-Finnish European, 0.000085%; no homozygotes.

Submission:

Labcorp Genetics (formerly Invitae), Labcorp
Classification: Uncertain significance for Charcot-Marie-Tooth disease axonal type 2O. Last evaluated: 2023-12-15. Review status: criteria provided, single submitter. Criteria: Invitae Variant Classification Sherloc (09022015). Collection method: clinical testing. Allele origin: germline.
Comment: This sequence change replaces glutamine, which is neutral and polar, with histidine, which is basic and polar, at codon 4530 of the DYNC1H1 protein (p.Gln4530His). This variant is not present in population databases (gnomAD no frequency). This variant has not been reported in the literature in individuals affected with DYNC1H1-related conditions. Advanced modeling of protein sequence and biophysical properties (such as structural, functional, and spatial information, amino acid conservation, physicochemical variation, residue mobility, and thermodynamic stability) performed at Invitae indicates that this missense variant is not expected to disrupt DYNC1H1 protein function with a negative predictive value of 95%. In summary, the available evidence is currently insufficient to determine the role of this variant in disease. Therefore, it has been classified as a Variant of Uncertain Significance.